The following is an entry in ClinVar:

ClinVar aggregate classification (germline): Uncertain significance. Review status: criteria provided, single submitter (1 of 4 stars). 2 submissions from 2 submitters: Uncertain significance (1). 1 of the submissions does not count toward it. Last evaluated 2022-12-09.

Conditions:
Glaucoma 1, open angle, F (GLC1F). Identifiers: MedGen C1863926, OMIM 603383, MONDO:0011311.

Allele frequency attached by ClinVar (database versions not stated): gnomAD 0.00014; TOPMed 0.00014; ExAC 0.00018; ESP Exome Variant Server 0.00023.
gnomAD v4.1: 339 of 1,612,116 alleles (0.021%); highest among the groups gnomAD compares: Middle Eastern, 0.033%; no homozygotes.

Submissions (2):

Labcorp Genetics (formerly Invitae), Labcorp
Classification: Uncertain significance. Last evaluated: 2022-12-09. Review status: criteria provided, single submitter. Criteria: Invitae Variant Classification Sherloc (09022015). Collection method: clinical testing. Allele origin: germline.
Comment: ClinVar contains an entry for this variant (Variation ID: 99945). This variant has not been reported in the literature in individuals affected with ASB10-related conditions. This variant is present in population databases (rs104886490, gnomAD 0.03%), and has an allele count higher than expected for a pathogenic variant. This sequence change replaces aspartic acid, which is acidic and polar, with tyrosine, which is neutral and polar, at codon 91 of the ASB10 protein (p.Asp91Tyr). Algorithms developed to predict the effect of missense changes on protein structure and function are either unavailable or do not agree on the potential impact of this missense change (SIFT: "Tolerated"; PolyPhen-2: "Probably Damaging"; Align-GVGD: "Class C15"). In summary, the available evidence is currently insufficient to determine the role of this variant in disease. Therefore, it has been classified as a Variant of Uncertain Significance.

Casey Eye Institute Glaucoma Genetics Lab 
No classification provided. Condition: Glaucoma 1, open angle, F. Review status: no classification provided. Collection method: not provided. Allele origin: somatic. Not counted in ClinVar's aggregate classification.

NM_001142459.2(ASB10):c.271G>T (p.Asp91Tyr)

Gene: ASB10 (ankyrin repeat and SOCS box containing 10; minus strand). Cytogenetic location: 7q36.1.
Variant type: single nucleotide variant.
Coding change: c.271G>T on transcript NM_001142459.2 (MANE Select); coding-DNA position 271, G replaced by T.
Protein change: p.Asp91Tyr; replaces aspartic acid 91 with tyrosine.
Molecular consequence: missense variant. On other transcripts: intron variant (1).
Genome position (GRCh38, 1-based): chr7:151,186,860, C>A on the plus strand (G>T on the coding strand, the complement: ASB10 is on the minus strand). VCF-style: chr7-151186860-C-A. GRCh37 (hg19) VCF-style: chr7-150883947-C-A.
Other names: c.271G>T, p.Asp91Tyr (NM_001142460.1); c.272-201G>T (NM_080871.4); short protein forms D91Y.
Identifiers: ClinVar variation 99945 (VCV000099945.4), dbSNP rs104886490, ClinGen allele CA150468.